The following is an entry in ClinVar:

ClinVar aggregate classification (germline): Conflicting classifications of pathogenicity. Review status: criteria provided, conflicting classifications (1 of 4 stars). 4 submissions from 4 submitters: Uncertain significance (3); Likely benign (1). Last evaluated 2025-07-03.

Conditions:
Breast-ovarian cancer, familial, susceptibility to, 2 (BROVCA2). Also called: BRCA2 Hereditary Breast and Ovarian Cancer. Identifiers: Orphanet 145, MedGen C2675520, MONDO:0012933, OMIM 612555. Disease mechanism: loss of function.
Hereditary cancer-predisposing syndrome. Also called: Hereditary Cancer Syndrome; Hereditary neoplastic syndrome; Tumor predisposition; Neoplastic Syndromes, Hereditary. Identifiers: Orphanet 140162, MedGen C0027672, MeSH D009386, MONDO:0015356.
Hereditary breast ovarian cancer syndrome. Also called: Hereditary breast and ovarian cancer syndrome; BRCA1- and BRCA2-Associated Hereditary Breast and Ovarian Cancer; Hereditary breast and ovarian cancer syndrome (HBOC); Hereditary breast and/or ovarian cancer syndrome; Hereditary breast and ovarian cancer; Breast and ovarian cancer. Identifiers: Orphanet 145, MedGen C0677776, MeSH D061325, MONDO:0003582. Disease mechanism: loss of function.

Allele frequency attached by ClinVar (database versions not stated): gnomAD exomes below 0.00001.
gnomAD v4.1: 1 of 1,596,888 alleles (0.000063%); highest among the groups gnomAD compares: East Asian, 0.0022%; no homozygotes.

Submissions (4):

Labcorp Genetics (formerly Invitae), Labcorp
Classification: Uncertain significance for Hereditary breast ovarian cancer syndrome. Last evaluated: 2025-07-03. Review status: criteria provided, single submitter. Criteria: Invitae Variant Classification Sherloc (09022015). Collection method: clinical testing. Allele origin: germline.
Comment: This sequence change replaces valine, which is neutral and non-polar, with leucine, which is neutral and non-polar, at codon 295 of the BRCA2 protein (p.Val295Leu). The frequency data for this variant in the population databases is considered unreliable, as metrics indicate poor data quality at this position in the gnomAD database. This variant has not been reported in the literature in individuals affected with BRCA2-related conditions. ClinVar contains an entry for this variant (Variation ID: 441505). Invitae Evidence Modeling of protein sequence and biophysical properties (such as structural, functional, and spatial information, amino acid conservation, physicochemical variation, residue mobility, and thermodynamic stability) indicates that this missense variant is not expected to disrupt BRCA2 protein function with a negative predictive value of 95%. In summary, the available evidence is currently insufficient to determine the role of this variant in disease. Therefore, it has been classified as a Variant of Uncertain Significance.

Ambry Genetics
Classification: Uncertain significance for Hereditary cancer-predisposing syndrome. Last evaluated: 2025-04-28. Review status: criteria provided, single submitter. Criteria: Ambry Variant Classification Scheme 2023. Collection method: clinical testing. Allele origin: germline.
Comment: The p.V295L variant (also known as c.883G>T), located in coding exon 9 of the BRCA2 gene, results from a G to T substitution at nucleotide position 883. The valine at codon 295 is replaced by leucine, an amino acid with highly similar properties. This amino acid position is not well conserved in available vertebrate species. In addition, this alteration is predicted to be tolerated by in silico analysis. Based on the available evidence, the clinical significance of this variant remains unclear.

All of Us Research Program, National Institutes of Health
Classification: Uncertain significance for Breast-ovarian cancer, familial, susceptibility to, 2. Last evaluated: 2023-05-16. Review status: criteria provided, single submitter. Criteria: ACMG Guidelines, 2015. Collection method: clinical testing. Allele origin: germline. Inheritance: Autosomal dominant inheritance. Observed: 1 variant allele, 1 heterozygote.
Comment: This missense variant replaces valine with leucine at codon 295 of the BRCA2 protein. Computational prediction suggests that this variant may not impact protein structure and function (internally defined REVEL score threshold <= 0.5, PMID: 27666373). To our knowledge, functional studies have not been reported for this variant. This variant has been reported in an individual affected with breast cancer (PMID: 33471991; Leiden Open Variation Database DB-ID BRCA2_007771). This variant has been identified in 1/240746 chromosomes in the general population by the Genome Aggregation Database (gnomAD). The available evidence is insufficient to determine the role of this variant in disease conclusively. Therefore, this variant is classified as a Variant of Uncertain Significance.

This study involves interpretation of variants in research participants for the purpose of population health screening. Participant phenotype was not available at the time of variant classification. Additional details can be found in publication PMID: 35346344, PMCID: PMC8962531

University of Washington Department of Laboratory Medicine, University of Washington
Classification: Likely benign for Hereditary cancer-predisposing syndrome. Last evaluated: 2023-03-23. Review status: criteria provided, single submitter. Criteria: Dines et al. (Genet Med. 2020). Collection method: curation. Allele origin: germline.
Comment: Missense variant in a coldspot region where missense variants are very unlikely to be pathogenic (PMID:31911673).

BRCA2 exon 10 coldspot. Reclassification based on statistical prior probability.

Literature cited by the submitters: PubMed 33471991 (cited by All of Us Research Program, National Institutes of Health).

NM_000059.4(BRCA2):c.883G>T (p.Val295Leu)

Gene: BRCA2 (BRCA2 DNA repair associated; plus strand). Cytogenetic location: 13q13.1.
Variant type: single nucleotide variant.
Coding change: c.883G>T on transcript NM_000059.4 (MANE Select); coding-DNA position 883, G replaced by T.
Protein change: p.Val295Leu; replaces valine 295 with leucine.
Molecular consequence: missense variant.
Genome position (GRCh38, 1-based): chr13:32,332,361, G>T. VCF-style: chr13-32332361-G-T. GRCh37 (hg19) VCF-style: chr13-32906498-G-T.
Other names: short protein forms V295L.
Identifiers: ClinVar variation 441505 (VCV000441505.10), dbSNP rs1254525537, ClinGen allele CA387760645.